The following is an entry in ClinVar:

NM_006767.4(LZTR1):c.2219+3A>C

Gene: LZTR1 (leucine zipper like post translational regulator 1; plus strand). Cytogenetic location: 22q11.21.
Variant type: single nucleotide variant.
Coding change: c.2219+3A>C on transcript NM_006767.4 (MANE Select); 3 bases into the intron after coding-DNA position 2219, A replaced by C.
Molecular consequence: intron variant.
Genome position (GRCh38, 1-based): chr22:20,996,115, A>C. VCF-style: chr22-20996115-A-C. GRCh37 (hg19) VCF-style: chr22-21350404-A-C.
Identifiers: ClinVar variation 1787875 (VCV001787875.6), dbSNP rs773139428, ClinGen allele CA10119278.

ClinVar aggregate classification (germline): Uncertain significance. Review status: criteria provided, multiple submitters, no conflicts (2 of 4 stars). 2 submissions from 2 submitters: Uncertain significance (2). Last evaluated 2025-11-24.

Conditions:
Hereditary cancer-predisposing syndrome. Also called: Neoplastic Syndromes, Hereditary; Tumor predisposition; Hereditary Cancer Syndrome; Hereditary neoplastic syndrome. Identifiers: Orphanet 140162, MedGen C0027672, MeSH D009386, MONDO:0015356.
Cardiovascular phenotype. Identifiers: MedGen CN230736.

Allele frequency attached by ClinVar (database versions not stated): TOPMed below 0.00001; ExAC 0.00001; gnomAD 0.00001.
gnomAD v4.1: 1 of 1,611,424 alleles (0.000062%); highest among the groups gnomAD compares: African/African-American, 0.0013%; no homozygotes.

Submissions (2):

Ambry Genetics
Classification: Uncertain significance for Cardiovascular phenotype; Hereditary cancer-predisposing syndrome. Last evaluated: 2025-11-24. Review status: criteria provided, single submitter. Criteria: Ambry Variant Classification Scheme 2023. Collection method: clinical testing. Allele origin: germline.
Comment: The c.2219+3A>C intronic variant results from an A to C substitution 3 nucleotides after coding exon 18 in the LZTR1 gene. This nucleotide position is highly conserved in available vertebrate species. In silico splice site analysis predicts that this alteration will not have any significant effect on splicing. Based on the available evidence, the clinical significance of this variant remains unclear.

Labcorp Genetics (formerly Invitae), Labcorp
Classification: Uncertain significance. Last evaluated: 2023-10-10. Review status: criteria provided, single submitter. Criteria: Invitae Variant Classification Sherloc (09022015). Collection method: clinical testing. Allele origin: germline.
Comment: This sequence change falls in intron 18 of the LZTR1 gene. It does not directly change the encoded amino acid sequence of the LZTR1 protein. It affects a nucleotide within the consensus splice site. This variant is present in population databases (rs773139428, gnomAD 0.007%). This variant has not been reported in the literature in individuals affected with LZTR1-related conditions. ClinVar contains an entry for this variant (Variation ID: 1787875). Variants that disrupt the consensus splice site are a relatively common cause of aberrant splicing (PMID: 17576681, 9536098). Algorithms developed to predict the effect of sequence changes on RNA splicing suggest that this variant is not likely to affect RNA splicing. In summary, the available evidence is currently insufficient to determine the role of this variant in disease. Therefore, it has been classified as a Variant of Uncertain Significance.

Literature cited by the submitters: PubMed 17576681 (cited by Labcorp Genetics (formerly Invitae), Labcorp); PubMed 9536098 (cited by Labcorp Genetics (formerly Invitae), Labcorp).